The following is an entry in ClinVar:

ClinVar aggregate classification (germline): Benign (1 of 4 stars; one submission).

Allele frequency attached by ClinVar (database versions not stated): 1000 Genomes Project 30x 0.00125; TOPMed 0.00241; 1000 Genomes Project 0.00060; gnomAD 0.00319.
gnomAD v4.1: 2,273 of 675,518 alleles (0.34%); highest among the groups gnomAD compares: Non-Finnish European, 0.45%; 3 homozygotes.

Submission:

CeGaT Center for Human Genetics Tuebingen
Classification: Benign. Last evaluated: 2022-04-01. Review status: criteria provided, single submitter. Criteria: CeGaT Center For Human Genetics Tuebingen Variant Classification Criteria Version 2. Collection method: clinical testing. Allele origin: germline. Affected: yes. Observed: 1 variant allele.
Comment: TOPORS: BS1, BS2

NM_005802.5(TOPORS):c.4-193G>T

Genes: TOPORS (TOP1 binding arginine/serine rich protein, E3 ubiquitin ligase; minus strand), TZMP1 (transition zone microprotein 1; plus strand), LOC130001630 (ATAC-STARR-seq lymphoblastoid silent region 19827; plus strand). Cytogenetic location: 9p21.1.
Variant type: single nucleotide variant.
Coding change: c.4-193G>T on transcript NM_005802.5 (MANE Select); 193 bases into the intron before coding-DNA position 4, G replaced by T.
Molecular consequence: intron variant. On other transcripts: 5 prime UTR variant (1).
Genome position (GRCh38, 1-based): chr9:32,551,161, C>A on the plus strand (G>T on the coding strand, the complement: TOPORS is on the minus strand). VCF-style: chr9-32551161-C-A. GRCh37 (hg19) VCF-style: chr9-32551159-C-A.
Other names: c.-734C>A (NM_001349118.1); c.3+1273G>T (NM_001195622.2).
Identifiers: ClinVar variation 2659140 (VCV002659140.22), dbSNP rs549299723, ClinGen allele CA192366154.